The following is an entry in ClinVar:

ClinVar aggregate classification (germline): Uncertain significance. Review status: criteria provided, multiple submitters, no conflicts (2 of 4 stars). 4 submissions from 4 submitters: Uncertain significance (4). Last evaluated 2025-12-05.

Conditions:
Hypoalphalipoproteinemia, primary, 2, intermediate. Also called: HYPOALPHALIPOPROTEINEMIA, PRIMARY, 2, AUTOSOMAL DOMINANT. Identifiers: MedGen C5677030, MONDO:0859238, OMIM 619836.
Hypoalphalipoproteinemia, primary, 2. Also called: HIGH DENSITY LIPOPROTEIN DEFICIENCY; HYPOALPHALIPOPROTEINEMIA, PRIMARY, 2, AUTOSOMAL RECESSIVE. Identifiers: MedGen C5551172, MONDO:0032766, OMIM 618463.
Familial amyloid polyneuropathy, Iowa type (AMYLD3). Also called: Familial amyloid polyneuropathy type III; AMYLOIDOSIS, HEREDITARY SYSTEMIC 3; AMYLOIDOSIS, IOWA TYPE; AMYLOIDOSIS, VAN ALLEN TYPE; AMYLOIDOSIS, TYPE III; AMYLOIDOSIS, TYPE IV. Identifiers: MedGen C4551500, MONDO:0971008, OMIM 620657.
Cardiovascular phenotype. Identifiers: MedGen CN230736.

Allele frequency attached by ClinVar (database versions not stated): gnomAD exomes below 0.00001; ExAC 0.00001; gnomAD 0.00001; TOPMed 0.00001; ESP Exome Variant Server 0.00008.

Submissions (4):

Women's Health and Genetics/Laboratory Corporation of America, LabCorp
Classification: Uncertain significance. Last evaluated: 2025-12-05. Review status: criteria provided, single submitter. Criteria: LabCorp Variant Classification Summary - May 2015. Collection method: clinical testing. Allele origin: germline.

Ambry Genetics
Classification: Uncertain significance for Cardiovascular phenotype. Last evaluated: 2024-03-01. Review status: criteria provided, single submitter. Criteria: Ambry Variant Classification Scheme 2023. Collection method: clinical testing. Allele origin: germline.
Comment: The p.K130R variant (also known as c.389A>G), located in coding exon 3 of the APOA1 gene, results from an A to G substitution at nucleotide position 389. The lysine at codon 130 is replaced by arginine, an amino acid with highly similar properties. This amino acid position is conserved. In addition, this alteration is predicted to be tolerated by in silico analysis. Based on the available evidence, the clinical significance of this alteration remains unclear.

Fulgent Genetics
Classification: Uncertain significance for Hypoalphalipoproteinemia, primary, 2; Hypoalphalipoproteinemia, primary, 2, intermediate; Familial amyloid polyneuropathy, Iowa type. Last evaluated: 2024-02-10. Review status: criteria provided, single submitter. Criteria: ACMG Guidelines, 2015. Collection method: clinical testing. Allele origin: germline.

Labcorp Genetics (formerly Invitae), Labcorp
Classification: Uncertain significance. Last evaluated: 2022-08-24. Review status: criteria provided, single submitter. Criteria: Invitae Variant Classification Sherloc (09022015). Collection method: clinical testing. Allele origin: germline.
Comment: In summary, the available evidence is currently insufficient to determine the role of this variant in disease. Therefore, it has been classified as a Variant of Uncertain Significance. Algorithms developed to predict the effect of missense changes on protein structure and function are either unavailable or do not agree on the potential impact of this missense change (SIFT: "Not Available"; PolyPhen-2: "Benign"; Align-GVGD: "Not Available"). This variant has not been reported in the literature in individuals affected with APOA1-related conditions. This variant is present in population databases (rs367866651, gnomAD no frequency). This sequence change replaces lysine, which is basic and polar, with arginine, which is basic and polar, at codon 130 of the APOA1 protein (p.Lys130Arg).

NM_000039.3(APOA1):c.389A>G (p.Lys130Arg)

Genes: APOA1 (apolipoprotein A1; minus strand), APOA1-AS (APOA1 antisense RNA; plus strand). Cytogenetic location: 11q23.3.
Variant type: single nucleotide variant.
Coding change: c.389A>G on transcript NM_000039.3 (MANE Select); coding-DNA position 389, A replaced by G.
Protein change: p.Lys130Arg; replaces lysine 130 with arginine.
Molecular consequence: missense variant. On other transcripts: non-coding transcript variant (1).
Genome position (GRCh38, 1-based): chr11:116,836,223, T>C on the plus strand (A>G on the coding strand, the complement: APOA1 is on the minus strand). VCF-style: chr11-116836223-T-C. GRCh37 (hg19) VCF-style: chr11-116706939-T-C.
Other names: c.389A>G, p.Lys130Arg (NM_001318017.2, NM_001318018.2); c.62A>G, p.Lys21Arg (NM_001318021.2); short protein forms K21R, K130R.
Identifiers: ClinVar variation 1977672 (VCV001977672.8), dbSNP rs367866651, ClinGen allele CA6289815.
Genomic context (GRCh38, chr11:116,836,223, plus strand): 5'-AGCTCTGCGCGCAGCGGCTCCACCTTCTGGCGGTAGAGCTCCATCTCCTCCTGCCACTTC[T>C]TCTGGAAGTCGTCCAGGTAGGGCTGCACCTTGGCCTTCACCTCCTCCAGATCCTTGCTCA-3'
Protein context (NP_000030.1, residues 120-140): KVQPYLDDFQ[Lys130Arg]KWQEEMELYR